The following is an entry in ClinVar:

ClinVar aggregate classification (germline): Likely benign. Review status: criteria provided, multiple submitters, no conflicts (2 of 4 stars). 2 submissions from 2 submitters: Likely benign (2). Last evaluated 2025-12-09.

Conditions:
Hereditary leiomyomatosis and renal cell cancer. Also called: Multiple cutaneous leiomyomas; MULTIPLE CUTANEOUS AND UTERINE LEIOMYOMATA 1, WITH OR WITHOUT RENAL CELL CARCINOMA; LEIOMYOMA, MULTIPLE CUTANEOUS; Familial leiomyomatosis; FH tumor predisposition syndrome; Reed syndrome. Identifiers: Orphanet 523, MedGen C1708350, MONDO:0007888, OMIM 150800, HP:0007437. Disease mechanism: loss of function.

Submissions (2):

Labcorp Genetics (formerly Invitae), Labcorp
Classification: Likely benign. Last evaluated: 2025-12-09. Review status: criteria provided, single submitter. Criteria: Invitae Variant Classification Sherloc (09022015). Collection method: clinical testing. Allele origin: germline.

Myriad Genetics, Inc.
Classification: Likely benign for Hereditary leiomyomatosis and renal cell cancer. Last evaluated: 2024-10-18. Review status: criteria provided, single submitter. Criteria: Myriad Autosomal Dominant, Autosomal Recessive and X-Linked Classification Criteria (2023). Collection method: clinical testing. Allele origin: unknown.
Comment: This variant is considered likely benign. This variant is intronic and is not expected to impact mRNA splicing.

NM_000143.4(FH):c.379-16A>G

Gene: FH (fumarate hydratase; minus strand). Cytogenetic location: 1q43.
Variant type: single nucleotide variant.
Coding change: c.379-16A>G on transcript NM_000143.4 (MANE Select); 16 bases into the intron before coding-DNA position 379, A replaced by G.
Molecular consequence: intron variant.
Genome position (GRCh38, 1-based): chr1:241,512,159, T>C on the plus strand (A>G on the coding strand, the complement: FH is on the minus strand). VCF-style: chr1-241512159-T-C. GRCh37 (hg19) VCF-style: chr1-241675459-T-C.
Identifiers: ClinVar variation 2032427 (VCV002032427.5), dbSNP rs2147922056, ClinGen allele CA2580063459.